The following is an entry in ClinVar:

NM_020975.6(RET):c.1785G>T (p.Glu595Asp)

Gene: RET (ret proto-oncogene; plus strand). Cytogenetic location: 10q11.21.
Variant type: single nucleotide variant.
Coding change: c.1785G>T on transcript NM_020975.6 (MANE Select); coding-DNA position 1785, G replaced by T.
Protein change: p.Glu595Asp; replaces glutamic acid 595 with aspartic acid.
Molecular consequence: missense variant.
Genome position (GRCh38, 1-based): chr10:43,113,581, G>T. VCF-style: chr10-43113581-G-T. GRCh37 (hg19) VCF-style: chr10-43609029-G-T.
Other names: c.1785G>T, p.Glu595Asp (NM_000323.2, NM_001406743.1, NM_001406744.1 and 6 more transcripts); c.1023G>T, p.Glu341Asp (NM_001355216.2); c.1656G>T, p.Glu552Asp (NM_001406761.1, NM_001406762.1, NM_001406764.1 and 1 more transcripts); c.1497G>T, p.Glu499Asp (NM_001406766.1, NM_001406767.1, NM_001406770.1); c.1389G>T, p.Glu463Asp (NM_001406769.1, NM_001406772.1); c.1347G>T, p.Glu449Asp (NM_001406771.1, NM_001406773.1); c.1260G>T, p.Glu420Asp (NM_001406774.1); c.1059G>T, p.Glu353Asp (NM_001406775.1, NM_001406776.1, NM_001406777.1 and 1 more transcripts); and 5 more; short protein forms E341D, E595D, E253D, E265D, E353D, E112D, E200D, E420D.
Identifiers: ClinVar variation 1403891 (VCV001403891.13), dbSNP rs1204846773, ClinGen allele CA376552555.

ClinVar aggregate classification (germline): Uncertain significance. Review status: criteria provided, multiple submitters, no conflicts (2 of 4 stars). 4 submissions from 4 submitters: Uncertain significance (4). Last evaluated 2025-10-06.

Conditions:
Hereditary cancer-predisposing syndrome. Also called: Tumor predisposition; Hereditary neoplastic syndrome; Neoplastic Syndromes, Hereditary; Hereditary Cancer Syndrome. Identifiers: Orphanet 140162, MedGen C0027672, MeSH D009386, MONDO:0015356.
Multiple endocrine neoplasia, type 2 (MEN2). Identifiers: Orphanet 653, MedGen C4048306, MONDO:0019003. Disease mechanism: gain of function.

Allele frequency attached by ClinVar (database versions not stated): gnomAD exomes below 0.00001.
gnomAD v4.1: 2 of 1,610,594 alleles (0.00012%); no homozygotes.

Submissions (4):

Color Diagnostics, LLC DBA Color Health
Classification: Uncertain significance for Multiple endocrine neoplasia, type 2. Last evaluated: 2025-10-06. Review status: criteria provided, single submitter. Criteria: ACMG Guidelines, 2015. Collection method: clinical testing. Allele origin: germline.
Comment: This missense variant replaces glutamic acid with aspartic acid at codon 595 of the RET protein. Computational predictions are inconclusive regarding the impact of this variant on protein structure and function. To our knowledge, functional studies have not been reported for this variant. This variant has been reported in an individual affected with medullary thyroid carcinoma (PMID: 27349013). This variant has been identified in 2/1458378 chromosomes in the general population by the Genome Aggregation Database (gnomAD). The available evidence is insufficient to determine the role of this variant in disease conclusively. Therefore, this variant is classified as a Variant of Uncertain Significance.

Ambry Genetics
Classification: Uncertain significance for Hereditary cancer-predisposing syndrome. Last evaluated: 2025-03-06. Review status: criteria provided, single submitter. Criteria: Ambry Variant Classification Scheme 2023. Collection method: clinical testing. Allele origin: germline.
Comment: The p.E595D variant (also known as c.1785G>T), located in coding exon 10 of the RET gene, results from a G to T substitution at nucleotide position 1785. The glutamic acid at codon 595 is replaced by aspartic acid, an amino acid with highly similar properties. This amino acid position is highly conserved in available vertebrate species. In addition, the in silico prediction for this alteration is inconclusive. Since supporting evidence is limited at this time, the clinical significance of this alteration remains unclear.

Blueprint Genetics
Classification: Uncertain significance. Last evaluated: 2023-04-28. Review status: criteria provided, single submitter. Criteria: ACMG Guidelines, 2015. Collection method: clinical testing. Allele origin: germline.

Labcorp Genetics (formerly Invitae), Labcorp
Classification: Uncertain significance for Multiple endocrine neoplasia, type 2. Last evaluated: 2022-10-07. Review status: criteria provided, single submitter. Criteria: Invitae Variant Classification Sherloc (09022015). Collection method: clinical testing. Allele origin: germline.
Comment: This sequence change replaces glutamic acid, which is acidic and polar, with aspartic acid, which is acidic and polar, at codon 595 of the RET protein (p.Glu595Asp). This variant is not present in population databases (gnomAD no frequency). This missense change has been observed in individual(s) with medullary thyroid carcinoma (MTC) (PMID: 27349013). ClinVar contains an entry for this variant (Variation ID: 1403891). Algorithms developed to predict the effect of missense changes on protein structure and function (SIFT, PolyPhen-2, Align-GVGD) all suggest that this variant is likely to be tolerated. In summary, the available evidence is currently insufficient to determine the role of this variant in disease. Therefore, it has been classified as a Variant of Uncertain Significance.

Literature cited by the submitters: PubMed 27349013 (cited by Color Diagnostics, LLC DBA Color Health and Labcorp Genetics (formerly Invitae), Labcorp).